The following is an entry in ClinVar:

ClinVar aggregate classification (germline): Conflicting classifications of pathogenicity. Review status: criteria provided, conflicting classifications (1 of 4 stars). 4 submissions from 4 submitters: Uncertain significance (2); Likely benign (2). Last evaluated 2025-06-11.

Conditions:
Hereditary cancer-predisposing syndrome. Also called: Hereditary Cancer Syndrome; Tumor predisposition; Hereditary neoplastic syndrome; Neoplastic Syndromes, Hereditary. Identifiers: Orphanet 140162, MedGen C0027672, MeSH D009386, MONDO:0015356.
Familial cancer of breast. Also called: BREAST CANCER, FAMILIAL; Hereditary breast cancer; hereditary breast carcinoma. Identifiers: Orphanet 227535, MedGen C0346153, MONDO:0016419, OMIM 114480. Disease mechanism: loss of function.
Ataxia-telangiectasia syndrome (AT). Also called: Ataxia-telangiectasia, complementation group E; Ataxia-telangiectasia; ATAXIA-TELANGIECTASIA, COMPLEMENTATION GROUP A; Ataxia-telangiectasia, complementation group D; Ataxia telangiectasia (A-T); LOUIS-BAR SYNDROME. Identifiers: Orphanet 100, MedGen C0004135, MONDO:0008840, OMIM 208900.

Allele frequency attached by ClinVar (database versions not stated): ExAC 0.00002.
gnomAD v4.1: 3 of 1,613,562 alleles (0.00019%); highest among the groups gnomAD compares: South Asian, 0.0033%; no homozygotes.

Submissions (4):

Ambry Genetics
Classification: Likely benign for Hereditary cancer-predisposing syndrome. Last evaluated: 2025-06-11. Review status: criteria provided, single submitter. Criteria: Ambry Variant Classification Scheme 2023. Collection method: clinical testing. Allele origin: germline.

Myriad Genetics, Inc.
Classification: Likely benign for Familial cancer of breast. Last evaluated: 2024-05-08. Review status: criteria provided, single submitter. Criteria: Myriad Autosomal Dominant, Autosomal Recessive and X-Linked Classification Criteria (2023). Collection method: clinical testing. Allele origin: unknown.
Comment: This variant is considered likely benign. This variant is strongly associated with less severe personal and family histories of cancer, typical for individuals without pathogenic variants in this gene [PMID: 25085752].

Color Diagnostics, LLC DBA Color Health
Classification: Uncertain significance for Hereditary cancer-predisposing syndrome. Last evaluated: 2024-03-18. Review status: criteria provided, single submitter. Criteria: ACMG Guidelines, 2015. Collection method: clinical testing. Allele origin: germline.
Comment: This missense variant replaces threonine with serine at codon 761 of the ATM protein. Computational prediction suggests that this variant may not impact protein structure and function (internally defined REVEL score threshold <= 0.5, PMID: 27666373). To our knowledge, functional studies have not been reported for this variant. This variant has not been reported in individuals affected with ATM-related disorders in the literature. This variant has been identified in 3/251246 chromosomes in the general population by the Genome Aggregation Database (gnomAD). The available evidence is insufficient to determine the role of this variant in disease conclusively. Therefore, this variant is classified as a Variant of Uncertain Significance.

Labcorp Genetics (formerly Invitae), Labcorp
Classification: Uncertain significance for Ataxia-telangiectasia syndrome. Last evaluated: 2022-06-26. Review status: criteria provided, single submitter. Criteria: Invitae Variant Classification Sherloc (09022015). Collection method: clinical testing. Allele origin: germline.
Comment: In summary, the available evidence is currently insufficient to determine the role of this variant in disease. Therefore, it has been classified as a Variant of Uncertain Significance. Advanced modeling of protein sequence and biophysical properties (such as structural, functional, and spatial information, amino acid conservation, physicochemical variation, residue mobility, and thermodynamic stability) performed at Invitae indicates that this missense variant is not expected to disrupt ATM protein function. This variant has not been reported in the literature in individuals affected with ATM-related conditions. This variant is present in population databases (rs768430443, gnomAD 0.01%). This sequence change replaces threonine, which is neutral and polar, with serine, which is neutral and polar, at codon 761 of the ATM protein (p.Thr761Ser).

Literature cited by the submitters: PubMed 25085752 (cited by Myriad Genetics, Inc.).

NM_000051.4(ATM):c.2282C>G (p.Thr761Ser)

Gene: ATM (ATM serine/threonine kinase; plus strand). Cytogenetic location: 11q22.3.
Variant type: single nucleotide variant.
Coding change: c.2282C>G on transcript NM_000051.4 (MANE Select); coding-DNA position 2282, C replaced by G.
Protein change: p.Thr761Ser; replaces threonine 761 with serine.
Molecular consequence: missense variant.
Genome position (GRCh38, 1-based): chr11:108,257,512, C>G. VCF-style: chr11-108257512-C-G. GRCh37 (hg19) VCF-style: chr11-108128239-C-G.
Other names: c.2282C>G, p.Thr761Ser (NM_001351834.2); short protein forms T761S.
Identifiers: ClinVar variation 2005561 (VCV002005561.7), dbSNP rs768430443, ClinGen allele CA6264991.